The following is an entry in ClinVar:

ClinVar aggregate classification (germline): Uncertain significance (1 of 4 stars; one submission).

Submission:

Labcorp Genetics (formerly Invitae), Labcorp
Classification: Uncertain significance. Last evaluated: 2022-03-18. Review status: criteria provided, single submitter. Criteria: Invitae Variant Classification Sherloc (09022015). Collection method: clinical testing. Allele origin: germline.
Comment: In summary, the available evidence is currently insufficient to determine the role of this variant in disease. Therefore, it has been classified as a Variant of Uncertain Significance. This sequence change replaces proline, which is neutral and non-polar, with serine, which is neutral and polar, at codon 217 of the COL13A1 protein (p.Pro217Ser). This variant is present in population databases (no rsID available, gnomAD 0.0009%). This variant has not been reported in the literature in individuals affected with COL13A1-related conditions. Algorithms developed to predict the effect of missense changes on protein structure and function are either unavailable or do not agree on the potential impact of this missense change (SIFT: "Tolerated"; PolyPhen-2: "Probably Damaging"; Align-GVGD: "Class C0").

NM_001368882.1(COL13A1):c.676C>T (p.Pro226Ser)

Gene: COL13A1 (collagen type XIII alpha 1 chain; plus strand). Cytogenetic location: 10q22.1.
Variant type: single nucleotide variant.
Coding change: c.676C>T on transcript NM_001368882.1 (MANE Select); coding-DNA position 676, C replaced by T.
Protein change: p.Pro226Ser; replaces proline 226 with serine.
Molecular consequence: missense variant.
Genome position (GRCh38, 1-based): chr10:69,895,568, C>T. VCF-style: chr10-69895568-C-T. GRCh37 (hg19) VCF-style: chr10-71655324-C-T.
Other names: c.676C>T, p.Pro226Ser (NM_001368884.1, NM_001320951.2); c.640C>T, p.Pro214Ser (NM_001368885.1, NM_001368883.1); c.76C>T, p.Pro26Ser (NM_001368886.1); c.586C>T, p.Pro196Ser (NM_001368895.1); c.535C>T, p.Pro179Ser (NM_001368896.1, NM_001368898.1, NM_080798.4); c.562C>T, p.Pro188Ser (NM_001368897.1, NM_080805.4); c.649C>T, p.Pro217Ser (NM_080800.4, NM_080801.4, NM_080802.4 and 1 more transcripts); short protein forms P188S, P179S, P214S, P226S, P196S, P26S, P217S.
Identifiers: ClinVar variation 1444851 (VCV001444851.8), dbSNP rs780496119, ClinGen allele CA376932720.